The following is an entry in ClinVar:

ClinVar aggregate classification (germline): Likely benign (0 of 4 stars; one submission).

Conditions:
DLGAP2-related disorder. Also called: DLGAP2-related condition.

Allele frequency attached by ClinVar (database versions not stated): ExAC 0.00015; ESP Exome Variant Server 0.00024; TOPMed 0.00045; gnomAD 0.00049; 1000 Genomes Project 0.00080; 1000 Genomes Project 30x 0.00094.
gnomAD v4.1: 129 of 1,597,754 alleles (0.0081%); highest among the groups gnomAD compares: African/African-American, 0.14%; no homozygotes.

Submission:

PreventionGenetics, part of Exact Sciences
Classification: Likely benign for DLGAP2-related condition. Last evaluated: 2019-02-28. Review status: no assertion criteria provided. Collection method: clinical testing. Allele origin: germline.
Comment: This variant is classified as likely benign based on ACMG/AMP sequence variant interpretation guidelines (Richards et al. 2015 PMID: 25741868, with internal and published modifications).

NM_001346810.2(DLGAP2):c.2949+5G>C

Gene: DLGAP2 (DLG associated protein 2; plus strand). Cytogenetic location: 8p23.3.
Variant type: single nucleotide variant.
Coding change: c.2949+5G>C on transcript NM_001346810.2 (MANE Select); 5 bases into the intron after coding-DNA position 2949, G replaced by C.
Molecular consequence: intron variant.
Genome position (GRCh38, 1-based): chr8:1,697,304, G>C. VCF-style: chr8-1697304-G-C. GRCh37 (hg19) VCF-style: chr8-1645470-G-C.
Identifiers: ClinVar variation 3058684 (VCV003058684.2), dbSNP rs77345811, ClinGen allele CA4599075.